The following is an entry in ClinVar:

ClinVar aggregate classification (germline): Likely benign (1 of 4 stars; one submission).

gnomAD v4.1: 2 of 1,612,648 alleles (0.00012%); highest among the groups gnomAD compares: Non-Finnish European, 0.00017%; no homozygotes.

Submission:

CeGaT Center for Human Genetics Tuebingen
Classification: Likely benign. Last evaluated: 2025-03-01. Review status: criteria provided, single submitter. Criteria: CeGaT Center For Human Genetics Tuebingen Variant Classification Criteria Version 2. Collection method: clinical testing. Allele origin: germline. Affected: yes. Observed: 1 variant allele.
Comment: ZNF91: BP4, BP7

NM_003430.4(ZNF91):c.2010C>T (p.Ser670=)

Gene: ZNF91 (zinc finger protein 91; minus strand). Cytogenetic location: 19p12.
Variant type: single nucleotide variant.
Coding change: c.2010C>T on transcript NM_003430.4 (MANE Select); coding-DNA position 2010, C replaced by T.
Protein change: p.Ser670=; no amino-acid change (serine 670 retained).
Molecular consequence: synonymous variant.
Genome position (GRCh38, 1-based): chr19:23,360,969, G>A on the plus strand (C>T on the coding strand, the complement: ZNF91 is on the minus strand). VCF-style: chr19-23360969-G-A. GRCh37 (hg19) VCF-style: chr19-23543771-G-A.
Other names: c.1914C>T, p.Ser638= (NM_001300951.2).
Identifiers: ClinVar variation 3778178 (VCV003778178.7).
Genomic context (GRCh38, chr19:23,360,969, plus strand): 5'-TTCTTTACATTTGTAGGGTTTCTCTTCAGTATGAGTTATCTTATGATTAGCAAGGGTTGA[G>A]GAATTGCTAAAAGCTTTGCCACATTCTTTACATTTGTAGGGTTTCTCTCCAGTATGAATT-3'
Protein context (NP_003421.2, residues 660-680): CKECGKAFSN[Ser670=]STLANHKITH